The following is an entry in ClinVar:

ClinVar aggregate classification (germline): Uncertain significance (1 of 4 stars; one submission).

Conditions:
Inborn genetic diseases. Identifiers: MedGen C0950123, MeSH D030342.

Allele frequency attached by ClinVar (database versions not stated): TOPMed below 0.00001; ExAC 0.00001; gnomAD exomes below 0.00001.
gnomAD v4.1: 1 of 1,614,162 alleles (0.000062%); highest among the groups gnomAD compares: Non-Finnish European, 0.000085%; no homozygotes.

Submission:

Ambry Genetics
Classification: Uncertain significance for Inborn genetic diseases. Last evaluated: 2016-08-04. Review status: criteria provided, single submitter. Criteria: Ambry Variant Classification Scheme 2023. Collection method: clinical testing. Allele origin: germline.
Comment: The c.1765-5C>T intronic variant results from a C to T substitution 5 nucleotides upstream from coding exon 16 in the CC2D1A gene. This variant was not reported in population based cohorts in the following databases: Database of Single Nucleotide Polymorphisms (dbSNP), NHLBI Exome Sequencing Project (ESP), and 1000 Genomes Project. In the ESP, this variant was not observed in 6272 samples (12544 alleles) with coverage at this position. This nucleotide position is poorly conserved in available vertebrate species. Using the BDGP and ESEfinder splice site prediction tools, this alteration is not predicted to have any significant effect on this splice acceptor site; however, direct evidence is unavailable. Since supporting evidence is limited at this time, the clinical significance of this alteration remains unclear.

NM_017721.5(CC2D1A):c.1765-5C>T

Gene: CC2D1A (coiled-coil and C2 domain containing 1A; plus strand). Cytogenetic location: 19p13.12.
Variant type: single nucleotide variant.
Coding change: c.1765-5C>T on transcript NM_017721.5 (MANE Select); 5 bases into the intron before coding-DNA position 1765, C replaced by T.
Molecular consequence: intron variant.
Genome position (GRCh38, 1-based): chr19:13,923,543, C>T. VCF-style: chr19-13923543-C-T. GRCh37 (hg19) VCF-style: chr19-14034356-C-T.
Identifiers: ClinVar variation 589345 (VCV000589345.5), dbSNP rs769035762, ClinGen allele CA9244807.